The following is an entry in ClinVar:

ClinVar aggregate classification (germline): Conflicting classifications of pathogenicity. Review status: criteria provided, conflicting classifications (1 of 4 stars). 7 submissions from 7 submitters: Uncertain significance (6); Benign (1). Last evaluated 2026-01-19.

Conditions:
COL6A3-related disorder. Also called: COL6A3-related disorders; COL6A3-related condition.
Bethlem myopathy 1A. Also called: MYOPATHY, BENIGN CONGENITAL, WITH CONTRACTURES; Bethlem myopathy 1; Bethlem Muscular Dystrophy. Identifiers: Orphanet 610, MedGen CN029274, MONDO:0024530, OMIM 158810.

Allele frequency attached by ClinVar (database versions not stated): gnomAD exomes 0.00011 and 0.00014; ExAC 0.00012; gnomAD 0.00013 and 0.00015; ESP Exome Variant Server 0.00015; TOPMed 0.00028.
gnomAD v4.1: 226 of 1,612,042 alleles (0.014%); highest among the groups gnomAD compares: Admixed American, 0.033%; no homozygotes.

Submissions (7):

Labcorp Genetics (formerly Invitae), Labcorp
Classification: Benign for Bethlem myopathy 1A. Last evaluated: 2026-01-19. Review status: criteria provided, single submitter. Criteria: Invitae Variant Classification Sherloc (09022015). Collection method: clinical testing. Allele origin: germline.

PreventionGenetics, part of Exact Sciences
Classification: Uncertain significance for COL6A3-related condition. Last evaluated: 2025-05-07. Review status: criteria provided, single submitter. Criteria: ACMG Guidelines, 2015. Collection method: clinical testing. Allele origin: germline.
Comment: The COL6A3 c.6749C>T variant is predicted to result in the amino acid substitution p.Pro2250Leu. This variant has been reported in an individual with adolescent idiopathic scoliosis (AIS) (reported with the genomic coordinate 238261169/GRCh37 in Table S4, Haller et al. 2016. PubMed ID: 26566670). This variant is reported in 0.019% of alleles in individuals of Ashkenazi Jewish descent in gnomAD. At this time, the clinical significance of this variant is uncertain due to the absence of conclusive functional and genetic evidence.

Revvity Omics, Revvity
Classification: Uncertain significance. Last evaluated: 2025-02-06. Review status: criteria provided, single submitter. Criteria: ACMG Guidelines, 2015. Collection method: clinical testing. Allele origin: germline.

GeneDx
Classification: Uncertain significance. Last evaluated: 2024-05-16. Review status: criteria provided, single submitter. Criteria: GeneDx Variant Classification Process June 2021. Collection method: clinical testing. Allele origin: germline. Affected: yes.
Comment: Reported previously in two patients with adolescent idiopathic scoliosis from two different cohorts; however, no further clinical or segregation information was provided (PMID: 26566670); In silico analysis supports that this missense variant has a deleterious effect on protein structure/function; This variant is associated with the following publications: (PMID: 26566670)

Women's Health and Genetics/Laboratory Corporation of America, LabCorp
Classification: Uncertain significance. Last evaluated: 2023-12-14. Review status: criteria provided, single submitter. Criteria: LabCorp Variant Classification Summary - May 2015. Collection method: clinical testing. Allele origin: germline.
Comment: Variant summary: COL6A3 c.6749C>T (p.Pro2250Leu) results in a non-conservative amino acid change in the encoded protein sequence. Four of five in-silico tools predict a damaging effect of the variant on protein function. The variant allele was found at a frequency of 0.00011 in 247422 control chromosomes. To our knowledge, no occurrence of c.6749C>T in individuals affected with Ullrich Congenital Muscular Dystrophy 1 and no experimental evidence demonstrating its impact on protein function have been reported. Four submitters have cited clinical-significance assessments for this variant to ClinVar after 2014; three submitters classified it as uncertain significance, while one classified it as benign. Based on the evidence outlined above, the variant was classified as uncertain significance.

Mayo Clinic Laboratories, Mayo Clinic
Classification: Uncertain significance. Last evaluated: 2022-06-24. Review status: criteria provided, single submitter. Criteria: ACMG Guidelines, 2015. Collection method: clinical testing. Allele origin: germline. Observed: 4 variant alleles.

Eurofins Ntd Llc (ga)
Classification: Uncertain significance. Last evaluated: 2017-02-03. Review status: criteria provided, single submitter. Criteria: EGL Classification Definitions 2015. Collection method: clinical testing. Allele origin: germline. Observed: 2 variant alleles, 2 heterozygotes.

NM_004369.4(COL6A3):c.6749C>T (p.Pro2250Leu)

Gene: COL6A3 (collagen type VI alpha 3 chain; minus strand). Cytogenetic location: 2q37.3.
Variant type: single nucleotide variant.
Coding change: c.6749C>T on transcript NM_004369.4 (MANE Select); coding-DNA position 6749, C replaced by T.
Protein change: p.Pro2250Leu; replaces proline 2250 with leucine.
Molecular consequence: missense variant.
Genome position (GRCh38, 1-based): chr2:237,352,526, G>A on the plus strand (C>T on the coding strand, the complement: COL6A3 is on the minus strand). VCF-style: chr2-237352526-G-A. GRCh37 (hg19) VCF-style: chr2-238261169-G-A.
Other names: p.Pro2250Leu; c.4928C>T, p.Pro1643Leu (NM_057166.5); c.6131C>T, p.Pro2044Leu (NM_057167.4); short protein forms P2250L, P2044L, P1643L.
Identifiers: ClinVar variation 195970 (VCV000195970.19), dbSNP rs140728855, ClinGen allele CA242694.